The following is an entry in ClinVar:

NM_002474.3(MYH11):c.4288G>A (p.Asp1430Asn)

Genes: MYH11 (myosin heavy chain 11; minus strand), NDE1 (nudE neurodevelopment protein 1; plus strand). Cytogenetic location: 16p13.11.
Variant type: single nucleotide variant.
Coding change: c.4288G>A on transcript NM_002474.3 (MANE Select); coding-DNA position 4288, G replaced by A.
Protein change: p.Asp1430Asn; replaces aspartic acid 1430 with asparagine.
Molecular consequence: missense variant.
Genome position (GRCh38, 1-based): chr16:15,724,238, C>T on the plus strand (G>A on the coding strand, the complement: MYH11 is on the minus strand). VCF-style: chr16-15724238-C-T. GRCh37 (hg19) VCF-style: chr16-15818095-C-T.
Other names: c.4309G>A, p.Asp1437Asn (NM_001040113.2, NM_001040114.2); c.4288G>A, p.Asp1430Asn (NM_022844.3); c.995C>T, p.Ser332Phe (NM_001143979.2, NM_017668.3); short protein forms D1430N, D1437N, S332F.
Identifiers: ClinVar variation 1739394 (VCV001739394.11), dbSNP rs2040631334, ClinGen allele CA394857127.

ClinVar aggregate classification (germline): Uncertain significance. Review status: criteria provided, multiple submitters, no conflicts (2 of 4 stars). 5 submissions from 4 submitters: Uncertain significance (5). Last evaluated 2026-03-19.

Conditions:
Inborn genetic diseases. Identifiers: MedGen C0950123, MeSH D030342.
Familial thoracic aortic aneurysm and aortic dissection (TAAD). Also called: Thoracic aortic aneurysms and dissections. Identifiers: Orphanet 91387, MedGen C4707243, MONDO:0019625.

Allele frequency attached by ClinVar (database versions not stated): TOPMed below 0.00001; gnomAD exomes 0.00001.
gnomAD v4.1: 3 of 1,614,198 alleles (0.00019%); highest among the groups gnomAD compares: Non-Finnish European, 0.00025%; no homozygotes.

Submissions (5):

Ambry Genetics
Classification: Uncertain significance for Familial thoracic aortic aneurysm and aortic dissection. Last evaluated: 2026-03-19. Review status: criteria provided, single submitter. Criteria: Ambry Variant Classification Scheme 2023. Collection method: clinical testing. Allele origin: germline.

Labcorp Genetics (formerly Invitae), Labcorp
Classification: Uncertain significance. Last evaluated: 2024-10-14. Review status: criteria provided, single submitter. Criteria: Invitae Variant Classification Sherloc (09022015). Collection method: clinical testing. Allele origin: germline.
Comment: This sequence change replaces serine, which is neutral and polar, with phenylalanine, which is neutral and non-polar, at codon 332 of the NDE1 protein (p.Ser332Phe). This variant is not present in population databases (gnomAD no frequency). This variant has not been reported in the literature in individuals affected with NDE1-related conditions. ClinVar contains an entry for this variant (Variation ID: 1739394). Invitae Evidence Modeling of protein sequence and biophysical properties (such as structural, functional, and spatial information, amino acid conservation, physicochemical variation, residue mobility, and thermodynamic stability) indicates that this missense variant is not expected to disrupt NDE1 protein function with a negative predictive value of 95%. In summary, the available evidence is currently insufficient to determine the role of this variant in disease. Therefore, it has been classified as a Variant of Uncertain Significance.

All of Us Research Program, National Institutes of Health
Classification: Uncertain significance for Familial thoracic aortic aneurysm and aortic dissection. Last evaluated: 2024-05-30. Review status: criteria provided, single submitter. Criteria: ACMG Guidelines, 2015. Collection method: clinical testing. Allele origin: germline. Inheritance: Autosomal dominant inheritance. Observed: 1 variant allele, 1 heterozygote.
Comment: This missense variant replaces aspartic acid with asparagine at codon 1437 of the MYH11 protein. Computational prediction is inconclusive regarding the impact of this variant on protein structure and function (internally defined REVEL score threshold 0.5 < inconclusive < 0.7, PMID: 27666373). To our knowledge, functional studies have not been reported for this variant. This variant has not been reported in individuals affected with cardiovascular disorders in the literature. This variant has not been identified in the general population by the Genome Aggregation Database (gnomAD). The available evidence is insufficient to determine the role of this variant in disease conclusively. Therefore, this variant is classified as a Variant of Uncertain Significance.

This study involves interpretation of variants in research participants for the purpose of population health screening. Participant phenotype was not available at the time of variant classification. Additional details can be found in publication PMID: 35346344, PMCID: PMC8962531

Color Diagnostics, LLC DBA Color Health
Classification: Uncertain significance for Familial thoracic aortic aneurysm and aortic dissection. Last evaluated: 2024-03-06. Review status: criteria provided, single submitter. Criteria: ACMG Guidelines, 2015. Collection method: clinical testing. Allele origin: germline.
Comment: This missense variant replaces aspartic acid with asparagine at codon 1437 of the MYH11 protein. Computational prediction is inconclusive regarding the impact of this variant on protein structure and function (internally defined REVEL score threshold 0.5 < inconclusive < 0.7, PMID: 27666373). To our knowledge, functional studies have not been reported for this variant. This variant has not been reported in individuals affected with cardiovascular disorders in the literature. This variant has not been identified in the general population by the Genome Aggregation Database (gnomAD). The available evidence is insufficient to determine the role of this variant in disease conclusively. Therefore, this variant is classified as a Variant of Uncertain Significance.

Ambry Genetics
Classification: Uncertain significance for Inborn genetic diseases. Last evaluated: 2023-05-23. Review status: criteria provided, single submitter. Criteria: Ambry Variant Classification Scheme 2023. Collection method: clinical testing. Allele origin: germline.